The following is an entry in ClinVar:

ClinVar aggregate classification (germline): Uncertain significance (1 of 4 stars; one submission).

Allele frequency attached by ClinVar (database versions not stated): gnomAD 0.00001; TOPMed 0.00001; gnomAD exomes 0.00002; ExAC 0.00006.
gnomAD v4.1: 31 of 1,613,852 alleles (0.0019%); highest among the groups gnomAD compares: South Asian, 0.024%; no homozygotes.

Submission:

Ambry Genetics
Classification: Uncertain significance. Last evaluated: 2024-03-04. Review status: criteria provided, single submitter. Criteria: Ambry Variant Classification Scheme 2023. Collection method: clinical testing. Allele origin: germline.
Comment: The p.I150T variant (also known as c.449T>C), located in coding exon 5 of the STAP1 gene, results from a T to C substitution at nucleotide position 449. The isoleucine at codon 150 is replaced by threonine, an amino acid with similar properties. This amino acid position is conserved. In addition, this alteration is predicted to be tolerated by in silico analysis. Based on the available evidence, the clinical significance of this alteration remains unclear.

NM_012108.4(STAP1):c.449T>C (p.Ile150Thr)

Gene: STAP1 (signal transducing adaptor family member 1; plus strand). Cytogenetic location: 4q13.2.
Variant type: single nucleotide variant.
Coding change: c.449T>C on transcript NM_012108.4 (MANE Select); coding-DNA position 449, T replaced by C.
Protein change: p.Ile150Thr; replaces isoleucine 150 with threonine.
Molecular consequence: missense variant.
Genome position (GRCh38, 1-based): chr4:67,581,390, T>C. VCF-style: chr4-67581390-T-C. GRCh37 (hg19) VCF-style: chr4-68447108-T-C.
Other names: c.449T>C, p.Ile150Thr (NM_001317769.2); short protein forms I150T.
Identifiers: ClinVar variation 3226192 (VCV003226192.1), dbSNP rs779496091, ClinGen allele CA2937569.